The following is an entry in ClinVar:

ClinVar aggregate classification (germline): Benign/Likely benign. Review status: criteria provided, multiple submitters, no conflicts (2 of 4 stars). 6 submissions from 6 submitters: Benign (2); Likely benign (3). 1 of the submissions does not count toward it. Last evaluated 2026-01-18.

Conditions:
RERE-related disorder. Also called: RERE-Related Disorders; RERE-related condition. Identifiers: MedGen CN381537.
Neurodevelopmental disorder with or without anomalies of the brain, eye, or heart (NEDBEH). Identifiers: Orphanet 494344, MedGen C5567477, MONDO:0014857, OMIM 616975.

Allele frequency attached by ClinVar (database versions not stated): gnomAD exomes 0.00029 and 0.00076; ExAC 0.00106; 1000 Genomes Project 30x 0.00281; 1000 Genomes Project 0.00300; gnomAD 0.00322 and 0.00342; ESP Exome Variant Server 0.00354; TOPMed 0.00356.
gnomAD v4.1: 921 of 1,613,804 alleles (0.057%); highest among the groups gnomAD compares: African/African-American, 1.1%; 6 homozygotes.

Submissions (6):

Labcorp Genetics (formerly Invitae), Labcorp
Classification: Benign. Last evaluated: 2026-01-18. Review status: criteria provided, single submitter. Criteria: Invitae Variant Classification Sherloc (09022015). Collection method: clinical testing. Allele origin: germline.

CeGaT Center for Human Genetics Tuebingen
Classification: Likely benign. Last evaluated: 2025-12-01. Review status: criteria provided, single submitter. Criteria: CeGaT Center For Human Genetics Tuebingen Variant Classification Criteria Version 2. Collection method: clinical testing. Allele origin: germline. Affected: yes. Observed: 4 variant alleles.
Comment: RERE: BP4, BP7, BS1

Blueprint Genetics
Classification: Likely benign. Last evaluated: 2024-10-18. Review status: criteria provided, single submitter. Criteria: ACMG Guidelines, 2015. Collection method: clinical testing. Allele origin: germline.

Fulgent Genetics
Classification: Likely benign for Neurodevelopmental disorder with or without anomalies of the brain, eye, or heart. Last evaluated: 2021-08-06. Review status: criteria provided, single submitter. Criteria: ACMG Guidelines, 2015. Collection method: clinical testing. Allele origin: unknown.

Breakthrough Genomics
Classification: Benign. Review status: criteria provided, single submitter. Criteria: ACMG Guidelines, 2015. Collection method: not provided. Allele origin: germline. Inheritance: Autosomal dominant inheritance. Affected: yes.

PreventionGenetics, part of Exact Sciences
Classification: Benign for RERE-related condition. Last evaluated: 2024-02-18. Review status: no assertion criteria provided. Collection method: clinical testing. Allele origin: germline. Not counted in ClinVar's aggregate classification.
Comment: This variant is classified as benign based on ACMG/AMP sequence variant interpretation guidelines (Richards et al. 2015 PMID: 25741868, with internal and published modifications).

NM_001042681.2(RERE):c.1524C>T (p.Arg508=)

Gene: RERE (arginine-glutamic acid dipeptide repeats; minus strand). Cytogenetic location: 1p36.23.
Variant type: single nucleotide variant.
Coding change: c.1524C>T on transcript NM_001042681.2 (MANE Select); coding-DNA position 1524, C replaced by T.
Protein change: p.Arg508=; no amino-acid change (arginine 508 retained).
Molecular consequence: synonymous variant. On other transcripts: 5 prime UTR variant (1).
Genome position (GRCh38, 1-based): chr1:8,364,762, G>A on the plus strand (C>T on the coding strand, the complement: RERE is on the minus strand). VCF-style: chr1-8364762-G-A. GRCh37 (hg19) VCF-style: chr1-8424822-G-A.
Other names: c.-139C>T (NM_001042682.2); c.1524C>T, p.Arg508= (NM_012102.4); c.1524C>T (NM_012102.3).
Identifiers: ClinVar variation 1599655 (VCV001599655.35), dbSNP rs139299521, ClinGen allele CA571682.